The following is an entry in ClinVar:

ClinVar aggregate classification (germline): Likely pathogenic (1 of 4 stars; one submission).

Conditions:
Ataxia-telangiectasia syndrome (AT). Also called: Ataxia-telangiectasia, complementation group D; AT, COMPLEMENTATION GROUP C; Ataxia-telangiectasia; ATAXIA-TELANGIECTASIA, COMPLEMENTATION GROUP A; ATAXIA-TELANGIECTASIA, FRESNO VARIANT; LOUIS-BAR SYNDROME. Identifiers: Orphanet 100, MedGen C0004135, MONDO:0008840, OMIM 208900.

Submission:

Labcorp Genetics (formerly Invitae), Labcorp
Classification: Likely pathogenic for Ataxia-telangiectasia syndrome. Last evaluated: 2021-06-06. Review status: criteria provided, single submitter. Criteria: Invitae Variant Classification Sherloc (09022015). Collection method: clinical testing. Allele origin: germline.
Comment: In summary, the currently available evidence indicates that the variant is pathogenic, but additional data are needed to prove that conclusively. Therefore, this variant has been classified as Likely Pathogenic. This variant disrupts the p.Arg2832Cys amino acid residue in ATM. Other variant(s) that disrupt this residue have been determined to be pathogenic (PMID: 9443866, 10817650, 10873394, 18634022, 12552559). This suggests that this residue is clinically significant, and that variants that disrupt this residue are likely to be disease-causing. This variant has not been reported in the literature in individuals with ATM-related disease. This variant is an in-frame deletion of the genomic region encompassing exons 55-61 of the ATM gene. It preserves the integrity of the reading frame.

Literature cited by the submitters: PubMed 9443866; PubMed 10817650; PubMed 10873394; PubMed 18634022; PubMed 12552559.

NC_000011.10:g.(?_108334959)_(108354884_?)del

Genes: ATM (ATM serine/threonine kinase; plus strand), C11orf65 (chromosome 11 open reading frame 65; minus strand), LOC129390354 (MPRA-validated peak1451 silencer; plus strand). Cytogenetic location: 11q22.3.
Variant type: Deletion.
Identifiers: ClinVar variation 639878 (VCV000639878.9).